The following is an entry in ClinVar:

NM_000455.5(STK11):c.211A>C (p.Thr71Pro)

Gene: STK11 (serine/threonine kinase 11; plus strand). Cytogenetic location: 19p13.3.
Variant type: single nucleotide variant.
Coding change: c.211A>C on transcript NM_000455.5 (MANE Select); coding-DNA position 211, A replaced by C.
Protein change: p.Thr71Pro; replaces threonine 71 with proline.
Molecular consequence: missense variant.
Genome position (GRCh38, 1-based): chr19:1,207,124, A>C. VCF-style: chr19-1207124-A-C. GRCh37 (hg19) VCF-style: chr19-1207123-A-C.
Other names: short protein forms T71P.
Identifiers: ClinVar variation 573370 (VCV000573370.9), dbSNP rs1568690334, ClinGen allele CA402944344.

ClinVar aggregate classification (germline): Uncertain significance (1 of 4 stars; one submission).

Conditions:
Peutz-Jeghers syndrome (PJS). Also called: Peutz-Jeghers polyposis; Periorificial lentiginosis syndrome; POLYPOSIS, HAMARTOMATOUS INTESTINAL; POLYPS-AND-SPOTS SYNDROME. Identifiers: Orphanet 2869, MedGen C0031269, MeSH D010580, MONDO:0008280, OMIM 175200.

Submission:

Labcorp Genetics (formerly Invitae), Labcorp
Classification: Uncertain significance for Peutz-Jeghers syndrome. Last evaluated: 2018-07-19. Review status: criteria provided, single submitter. Criteria: Invitae Variant Classification Sherloc (09022015). Collection method: clinical testing. Allele origin: germline.
Comment: This sequence change replaces threonine with proline at codon 71 of the STK11 protein (p.Thr71Pro). The threonine residue is highly conserved and there is a small physicochemical difference between threonine and proline. This variant is not present in population databases (ExAC no frequency). This variant has not been reported in the literature in individuals with STK11-related disease. Algorithms developed to predict the effect of missense changes on protein structure and function are either unavailable or do not agree on the potential impact of this missense change (SIFT: "Deleterious"; PolyPhen-2: "Probably Damaging"; Align-GVGD: "Class C0"). In summary, the available evidence is currently insufficient to determine the role of this variant in disease. Therefore, it has been classified as a Variant of Uncertain Significance.